The following is an entry in ClinVar:

ClinVar aggregate classification (germline): Likely benign (1 of 4 stars; one submission).

Conditions:
SH2B1-related disorder. Also called: SH2B1-related condition.

gnomAD v4.1: 10 of 1,613,780 alleles (0.00062%); highest among the groups gnomAD compares: Admixed American, 0.005%; no homozygotes.

Submission:

PreventionGenetics, part of Exact Sciences
Classification: Likely benign for SH2B1-related condition. Last evaluated: 2024-10-25. Review status: criteria provided, single submitter. Criteria: ACMG Guidelines, 2015. Collection method: clinical testing. Allele origin: germline.
Comment: This variant is classified as likely benign based on ACMG/AMP sequence variant interpretation guidelines (Richards et al. 2015 PMID: 25741868, with internal and published modifications).

NM_001387430.1(SH2B1):c.372A>T (p.Arg124=)

Gene: SH2B1 (SH2B adaptor protein 1; plus strand). Cytogenetic location: 16p11.2.
Variant type: single nucleotide variant.
Coding change: c.372A>T on transcript NM_001387430.1 (MANE Select); coding-DNA position 372, A replaced by T.
Protein change: p.Arg124=; no amino-acid change (arginine 124 retained).
Molecular consequence: synonymous variant. On other transcripts: intron variant (1).
Genome position (GRCh38, 1-based): chr16:28,866,466, A>T. VCF-style: chr16-28866466-A-T. GRCh37 (hg19) VCF-style: chr16-28877787-A-T.
Other names: c.372A>T, p.Arg124= (NM_001145795.2, NM_001145796.2, NM_001145797.2 and 4 more transcripts); c.-26-908A>T (NM_001308294.2).
Identifiers: ClinVar variation 4981672 (VCV004981672.1).